The following is an entry in ClinVar:

ClinVar aggregate classification (germline): Benign/Likely benign. Review status: criteria provided, multiple submitters, no conflicts (2 of 4 stars). 5 submissions from 4 submitters: Benign (1); Likely benign (4). Last evaluated 2025-08-18.

Conditions:
Waardenburg syndrome. Also called: Waardenburg's syndrome. Identifiers: Orphanet 3440, MedGen C3266898, MONDO:0018094.
PCWH syndrome. Also called: WAARDENBURG-SHAH SYNDROME, NEUROLOGIC VARIANT. Identifiers: Orphanet 163746, MedGen C1836727, MONDO:0012198, OMIM 609136.
Waardenburg syndrome type 2E (WS2E). Also called: WAARDENBURG SYNDROME, TYPE 2E, WITH OR WITHOUT NEUROLOGIC INVOLVEMENT; WS2E, WITH OR WITHOUT NEUROLOGIC INVOLVEMENT; HYPOGONADOTROPIC HYPOGONADISM WITH ANOSMIA AND DEAFNESS, WITH OR WITHOUT HYPOPIGMENTATION. Identifiers: Orphanet 3440, MedGen C2700405, MONDO:0012698, OMIM 611584.
Waardenburg syndrome type 4C (WS4C). Also called: WAARDENBURG SYNDROME WITH HIRSCHSPRUNG DISEASE, TYPE 4C. Identifiers: Orphanet 897, MedGen C2750452, MONDO:0013202, OMIM 613266.

Allele frequency attached by ClinVar (database versions not stated): gnomAD 0.00004 and 0.00003; gnomAD exomes 0.00007 and 0.00004; ExAC 0.00002; TOPMed 0.00005.
gnomAD v4.1: 71 of 1,610,050 alleles (0.0044%); highest among the groups gnomAD compares: Admixed American, 0.0017%; no homozygotes.

Submissions (5):

Labcorp Genetics (formerly Invitae), Labcorp
Classification: Benign. Last evaluated: 2025-08-18. Review status: criteria provided, single submitter. Criteria: Invitae Variant Classification Sherloc (09022015). Collection method: clinical testing. Allele origin: germline.

Fulgent Genetics
Classification: Likely benign for PCWH syndrome; Waardenburg syndrome type 2E; Waardenburg syndrome type 4C. Last evaluated: 2021-07-03. Review status: criteria provided, single submitter. Criteria: ACMG Guidelines, 2015. Collection method: clinical testing. Allele origin: unknown.

Illumina Laboratory Services, Illumina
Classification: Likely benign for Waardenburg syndrome. Last evaluated: 2018-01-12. Review status: criteria provided, single submitter. Criteria: ICSL Variant Classification Criteria 13 December 2019. Collection method: clinical testing. Allele origin: germline.
Comment: This variant was observed in the ICSL laboratory as part of a predisposition screen in an ostensibly healthy population. It had not been previously curated by ICSL or reported in the Human Gene Mutation Database (HGMD: prior to June 1st, 2018), and was therefore a candidate for classification through an automated scoring system. Utilizing variant allele frequency, disease prevalence and penetrance estimates, and inheritance mode, an automated score was calculated to assess if this variant is too frequent to cause the disease. Based on the score and internal cut-off values, a variant classified as likely benign is not then subjected to further curation. The score for this variant resulted in a classification of likely benign for this disease.

Illumina Laboratory Services, Illumina
Classification: Likely benign for PCWH syndrome. Last evaluated: 2018-01-12. Review status: criteria provided, single submitter. Criteria: ICSL Variant Classification Criteria 13 December 2019. Collection method: clinical testing. Allele origin: germline.
Comment: the same text as in the submission from Illumina Laboratory Services, Illumina above.

GeneDx
Classification: Likely benign. Last evaluated: 2018-01-05. Review status: criteria provided, single submitter. Criteria: GeneDx Variant Classification (06012015). Collection method: clinical testing. Allele origin: germline. Affected: yes.
Comment: This variant is considered likely benign or benign based on one or more of the following criteria: it is a conservative change, it occurs at a poorly conserved position in the protein, it is predicted to be benign by multiple in silico algorithms, and/or has population frequency not consistent with disease.

NM_006941.4(SOX10):c.975C>T (p.Ala325=)

Genes: POLR2F (RNA polymerase II, I and III subunit F; plus strand), SOX10 (SRY-box transcription factor 10; minus strand). Cytogenetic location: 22q13.1.
Variant type: single nucleotide variant.
Coding change: c.975C>T on transcript NM_006941.4 (MANE Select); coding-DNA position 975, C replaced by T.
Protein change: p.Ala325=; no amino-acid change (alanine 325 retained).
Molecular consequence: synonymous variant. On other transcripts: intron variant (3).
Genome position (GRCh38, 1-based): chr22:37,973,921, G>A on the plus strand (C>T on the coding strand, the complement: SOX10 is on the minus strand). VCF-style: chr22-37973921-G-A. GRCh37 (hg19) VCF-style: chr22-38369928-G-A.
Other names: c.*38+1611G>A (NM_001363825.1); c.293+6751G>A (NM_001301130.2, NM_001301131.2).
Identifiers: ClinVar variation 514334 (VCV000514334.13), dbSNP rs760496644, ClinGen allele CA10228558.
Genomic context (GRCh38, chr22:37,973,921, plus strand): 5'-GACCGTGGGCAGAGCCACGCCTGGTGGCTTGGAGATCCAGGCGGAGTGTCCACTGGCCAC[G>A]GCCAGGGCACTGCCCAGCCCATAGCCGGCTGCTGAGTAGCTGCTCACATGGCCTGGGTGC-3'
Protein context (NP_008872.1, residues 315-335): AAGYGLGSAL[Ala325=]VASGHSAWIS